The following is an entry in ClinVar:

ClinVar aggregate classification (germline): Uncertain significance (1 of 4 stars; one submission).

Allele frequency attached by ClinVar (database versions not stated): gnomAD exomes below 0.00001.
gnomAD v4.1: 1 of 1,614,104 alleles (0.000062%); highest among the groups gnomAD compares: Non-Finnish European, 0.000085%; no homozygotes.

Submission:

Labcorp Genetics (formerly Invitae), Labcorp
Classification: Uncertain significance. Last evaluated: 2022-08-12. Review status: criteria provided, single submitter. Criteria: Invitae Variant Classification Sherloc (09022015). Collection method: clinical testing. Allele origin: germline.
Comment: This sequence change falls in intron 35 of the MYO5B gene. It does not directly change the encoded amino acid sequence of the MYO5B protein. It affects a nucleotide within the consensus splice site. This variant is not present in population databases (gnomAD no frequency). This variant has not been reported in the literature in individuals affected with MYO5B-related conditions. Variants that disrupt the consensus splice site are a relatively common cause of aberrant splicing (PMID: 17576681, 9536098). Algorithms developed to predict the effect of sequence changes on RNA splicing suggest that this variant is not likely to affect RNA splicing. In summary, the available evidence is currently insufficient to determine the role of this variant in disease. Therefore, it has been classified as a Variant of Uncertain Significance.

Literature cited by the submitters: PubMed 17576681; PubMed 9536098.

NM_001080467.3(MYO5B):c.4701+3G>A

Genes: MYO5B (myosin VB; minus strand), SNHG22 (small nucleolar RNA host gene 22; plus strand). Cytogenetic location: 18q21.1.
Variant type: single nucleotide variant.
Coding change: c.4701+3G>A on transcript NM_001080467.3 (MANE Select); 3 bases into the intron after coding-DNA position 4701, G replaced by A.
Molecular consequence: intron variant.
Genome position (GRCh38, 1-based): chr18:49,841,362, C>T on the plus strand (G>A on the coding strand, the complement: MYO5B is on the minus strand). VCF-style: chr18-49841362-C-T. GRCh37 (hg19) VCF-style: chr18-47367732-C-T.
Identifiers: ClinVar variation 2023638 (VCV002023638.4), dbSNP rs2511237059, ClinGen allele CA2580095805.